The following is an entry in ClinVar:

NM_002335.4(LRP5):c.2547C>G (p.Phe849Leu)

Gene: LRP5 (LDL receptor related protein 5; plus strand). Cytogenetic location: 11q13.2.
Variant type: single nucleotide variant.
Coding change: c.2547C>G on transcript NM_002335.4 (MANE Select); coding-DNA position 2547, C replaced by G.
Protein change: p.Phe849Leu; replaces phenylalanine 849 with leucine.
Molecular consequence: missense variant.
Genome position (GRCh38, 1-based): chr11:68,413,732, C>G. VCF-style: chr11-68413732-C-G. GRCh37 (hg19) VCF-style: chr11-68181200-C-G.
Other names: c.804C>G, p.Phe268Leu (NM_001291902.2); short protein forms F268L, F849L.
Identifiers: ClinVar variation 1518643 (VCV001518643.8), dbSNP rs771492871, ClinGen allele CA381618236.

ClinVar aggregate classification (germline): Uncertain significance (1 of 4 stars; one submission).

Submission:

Labcorp Genetics (formerly Invitae), Labcorp
Classification: Uncertain significance. Last evaluated: 2021-05-09. Review status: criteria provided, single submitter. Criteria: Invitae Variant Classification Sherloc (09022015). Collection method: clinical testing. Allele origin: germline.
Comment: This sequence change replaces phenylalanine with leucine at codon 849 of the LRP5 protein (p.Phe849Leu). The phenylalanine residue is highly conserved and there is a small physicochemical difference between phenylalanine and leucine. In summary, the available evidence is currently insufficient to determine the role of this variant in disease. Therefore, it has been classified as a Variant of Uncertain Significance. Advanced modeling of protein sequence and biophysical properties (such as structural, functional, and spatial information, amino acid conservation, physicochemical variation, residue mobility, and thermodynamic stability) performed at Invitae indicates that this missense variant is expected to disrupt LRP5 protein function. This variant has not been reported in the literature in individuals with LRP5-related conditions. This variant is not present in population databases (ExAC no frequency).